The following is an entry in ClinVar:

ClinVar aggregate classification (germline): Uncertain significance (1 of 4 stars; one submission).

Conditions:
Hypertrophic cardiomyopathy 19. Also called: Familial hypertrophic cardiomyopathy 19. Identifiers: MedGen CN077603, MONDO:0013476.

Allele frequency attached by ClinVar (database versions not stated): TOPMed below 0.00001; gnomAD 0.00002; gnomAD exomes 0.00003; ExAC 0.00004.
gnomAD v4.1: 53 of 1,613,980 alleles (0.0033%); highest among the groups gnomAD compares: Middle Eastern, 0.049%; no homozygotes.

Submission:

Labcorp Genetics (formerly Invitae), Labcorp
Classification: Uncertain significance for Hypertrophic cardiomyopathy 19. Last evaluated: 2024-05-07. Review status: criteria provided, single submitter. Criteria: Invitae Variant Classification Sherloc (09022015). Collection method: clinical testing. Allele origin: germline.
Comment: This sequence change replaces lysine, which is basic and polar, with glutamic acid, which is acidic and polar, at codon 55 of the CALR3 protein (p.Lys55Glu). This variant is present in population databases (rs766911825, gnomAD 0.02%). This variant has not been reported in the literature in individuals affected with CALR3-related conditions. Advanced modeling of protein sequence and biophysical properties (such as structural, functional, and spatial information, amino acid conservation, physicochemical variation, residue mobility, and thermodynamic stability) performed at Invitae indicates that this missense variant is not expected to disrupt CALR3 protein function with a negative predictive value of 80%. In summary, the available evidence is currently insufficient to determine the role of this variant in disease. Therefore, it has been classified as a Variant of Uncertain Significance.

NM_145046.5(CALR3):c.163A>G (p.Lys55Glu)

Gene: CALR3 (calreticulin 3; minus strand). Cytogenetic location: 19p13.11.
Variant type: single nucleotide variant.
Coding change: c.163A>G on transcript NM_145046.5 (MANE Select); coding-DNA position 163, A replaced by G.
Protein change: p.Lys55Glu; replaces lysine 55 with glutamic acid.
Molecular consequence: missense variant.
Genome position (GRCh38, 1-based): chr19:16,495,781, T>C on the plus strand (A>G on the coding strand, the complement: CALR3 is on the minus strand). VCF-style: chr19-16495781-T-C. GRCh37 (hg19) VCF-style: chr19-16606592-T-C.
Other names: short protein forms K55E.
Identifiers: ClinVar variation 2866221 (VCV002866221.3), dbSNP rs766911825, ClinGen allele CA9278498.